The following is an entry in ClinVar:

ClinVar aggregate classification (germline): Uncertain significance. Review status: criteria provided, multiple submitters, no conflicts (2 of 4 stars). 3 submissions from 3 submitters: Uncertain significance (3). Last evaluated 2024-08-14.

Conditions:
Multiple gastrointestinal atresias. Also called: Multiple intestinal atresia; FAMILIAL INTESTINAL POLYATRESIA SYNDROME. Identifiers: Orphanet 2300, MedGen C0220744, MONDO:0009465.
Inborn genetic diseases. Identifiers: MedGen C0950123, MeSH D030342.

Allele frequency attached by ClinVar (database versions not stated): gnomAD 0.00001; TOPMed 0.00002.
gnomAD v4.1: 37 of 1,613,932 alleles (0.0023%); highest among the groups gnomAD compares: Admixed American, 0.0033%; no homozygotes.

Submissions (3):

Ambry Genetics
Classification: Uncertain significance for Inborn genetic diseases. Last evaluated: 2024-08-14. Review status: criteria provided, single submitter. Criteria: Ambry Variant Classification Scheme 2023. Collection method: clinical testing. Allele origin: germline.

Blueprint Genetics
Classification: Uncertain significance. Last evaluated: 2024-04-26. Review status: criteria provided, single submitter. Criteria: ACMG Guidelines, 2015. Collection method: clinical testing. Allele origin: germline.

Labcorp Genetics (formerly Invitae), Labcorp
Classification: Uncertain significance for Multiple gastrointestinal atresias. Last evaluated: 2022-08-16. Review status: criteria provided, single submitter. Criteria: Invitae Variant Classification Sherloc (09022015). Collection method: clinical testing. Allele origin: germline.
Comment: This sequence change replaces alanine, which is neutral and non-polar, with threonine, which is neutral and polar, at codon 247 of the TTC7A protein (p.Ala247Thr). This variant is present in population databases (rs752603355, gnomAD 0.003%). This variant has not been reported in the literature in individuals affected with TTC7A-related conditions. ClinVar contains an entry for this variant (Variation ID: 1421790). Algorithms developed to predict the effect of missense changes on protein structure and function are either unavailable or do not agree on the potential impact of this missense change (SIFT: "Deleterious"; PolyPhen-2: "Possibly Damaging"; Align-GVGD: "Class C0"). In summary, the available evidence is currently insufficient to determine the role of this variant in disease. Therefore, it has been classified as a Variant of Uncertain Significance.

NM_020458.4(TTC7A):c.739G>A (p.Ala247Thr)

Gene: TTC7A (tetratricopeptide repeat domain 7A; plus strand). Cytogenetic location: 2p21.
Variant type: single nucleotide variant.
Coding change: c.739G>A on transcript NM_020458.4 (MANE Select); coding-DNA position 739, G replaced by A.
Protein change: p.Ala247Thr; replaces alanine 247 with threonine.
Molecular consequence: missense variant. On other transcripts: 5 prime UTR variant (1).
Genome position (GRCh38, 1-based): chr2:46,978,882, G>A. VCF-style: chr2-46978882-G-A. GRCh37 (hg19) VCF-style: chr2-47206021-G-A.
Other names: c.739G>A (NM_020458.2); c.739G>A, p.Ala247Thr (NM_001288951.2); c.637G>A, p.Ala213Thr (NM_001288953.2); c.-166G>A (NM_001288955.2); short protein forms A247T, A213T.
Identifiers: ClinVar variation 1421790 (VCV001421790.5), dbSNP rs752603355, ClinGen allele CA1647326.
Genomic context (GRCh38, chr2:46,978,882, plus strand): 5'-AAAGGCTGTCACCCGCTTGACTATGAGCTCACCTACTTCCTGGAAGCTGCCCTCCAGAGC[G>A]CCTATGTGAAAAACCTGAAGAAGGGGTAGGTCACTGGTAGTTGAGTGAGTGGGAGAACGA-3'
Protein context (NP_065191.2, residues 237-257): TYFLEAALQS[Ala247Thr]YVKNLKKGNI